The following is an entry in ClinVar:

ClinVar aggregate classification (germline): Uncertain significance (1 of 4 stars; one submission).

Submission:

Labcorp Genetics (formerly Invitae), Labcorp
Classification: Uncertain significance. Last evaluated: 2023-03-17. Review status: criteria provided, single submitter. Criteria: Invitae Variant Classification Sherloc (09022015). Collection method: clinical testing. Allele origin: germline.
Comment: This sequence change replaces phenylalanine, which is neutral and non-polar, with leucine, which is neutral and non-polar, at codon 1708 of the CACNA1E protein (p.Phe1708Leu). In summary, the available evidence is currently insufficient to determine the role of this variant in disease. Therefore, it has been classified as a Variant of Uncertain Significance. Advanced modeling of protein sequence and biophysical properties (such as structural, functional, and spatial information, amino acid conservation, physicochemical variation, residue mobility, and thermodynamic stability) has been performed at Invitae for this missense variant, however the output from this modeling did not meet the statistical confidence thresholds required to predict the impact of this variant on CACNA1E protein function. This variant has not been reported in the literature in individuals affected with CACNA1E-related conditions. This variant is not present in population databases (gnomAD no frequency).

NM_001205293.3(CACNA1E):c.5124C>A (p.Phe1708Leu)

Gene: CACNA1E (calcium voltage-gated channel subunit alpha1 E; plus strand). Cytogenetic location: 1q25.3.
Variant type: single nucleotide variant.
Coding change: c.5124C>A on transcript NM_001205293.3 (MANE Select); coding-DNA position 5124, C replaced by A.
Protein change: p.Phe1708Leu; replaces phenylalanine 1708 with leucine.
Molecular consequence: missense variant.
Genome position (GRCh38, 1-based): chr1:181,772,216, C>A. VCF-style: chr1-181772216-C-A. GRCh37 (hg19) VCF-style: chr1-181741352-C-A.
Other names: c.5124C>A, p.Phe1708Leu (NM_000721.4); c.5067C>A, p.Phe1689Leu (NM_001205294.2); short protein forms F1708L, F1689L.
Identifiers: ClinVar variation 2846436 (VCV002846436.3), dbSNP rs2529130270, ClinGen allele CA343628291.